The following is an entry in ClinVar:

ClinVar aggregate classification (germline): Likely benign. Review status: criteria provided, multiple submitters, no conflicts (2 of 4 stars). 2 submissions from 2 submitters: Likely benign (2). Last evaluated 2024-08-13.

Conditions:
Arrhythmogenic right ventricular dysplasia 5. Also called: Arrhythmogenic Right Ventricular Dysplasia/Cardiomyopathy 5; ARRHYTHMOGENIC RIGHT VENTRICULAR DYSPLASIA, FAMILIAL, 5. Identifiers: MedGen C1858379, MONDO:0011459, OMIM 604400.
Cardiovascular phenotype. Identifiers: MedGen CN230736.

Submissions (2):

All of Us Research Program, National Institutes of Health
Classification: Likely benign for Arrhythmogenic right ventricular dysplasia 5. Last evaluated: 2024-08-13. Review status: criteria provided, single submitter. Criteria: ACMG Guidelines, 2015. Collection method: clinical testing. Allele origin: germline. Inheritance: Autosomal dominant inheritance. Observed: 1 variant allele, 1 heterozygote.
Comment: This study involves interpretation of variants in research participants for the purpose of population health screening. Participant phenotype was not available at the time of variant classification. Additional details can be found in publication PMID: 35346344, PMCID: PMC8962531

Ambry Genetics
Classification: Likely benign for Cardiovascular phenotype. Last evaluated: 2023-09-18. Review status: criteria provided, single submitter. Criteria: Ambry Variant Classification Scheme 2023. Collection method: clinical testing. Allele origin: germline.

NM_024334.3(TMEM43):c.336T>C (p.Ala112=)

Gene: TMEM43 (transmembrane protein 43; plus strand). Cytogenetic location: 3p25.1.
Variant type: single nucleotide variant.
Coding change: c.336T>C on transcript NM_024334.3 (MANE Select); coding-DNA position 336, T replaced by C.
Protein change: p.Ala112=; no amino-acid change (alanine 112 retained).
Molecular consequence: synonymous variant.
Genome position (GRCh38, 1-based): chr3:14,131,618, T>C. VCF-style: chr3-14131618-T-C. GRCh37 (hg19) VCF-style: chr3-14173118-T-C.
Other names: c.336T>C, p.Ala112= (NM_001407274.1, NM_001407275.1, NM_001407276.1 and 2 more transcripts); c.321T>C, p.Ala107= (NM_001407278.1); c.186T>C, p.Ala62= (NM_001407280.1).
Identifiers: ClinVar variation 3227834 (VCV003227834.2), dbSNP rs2470181652, ClinGen allele CA432551283.